The following is an entry in ClinVar:

NM_213599.3(ANO5):c.1982T>C (p.Leu661Pro)

Gene: ANO5 (anoctamin 5; plus strand). Cytogenetic location: 11p14.3.
Variant type: single nucleotide variant.
Coding change: c.1982T>C on transcript NM_213599.3 (MANE Select); coding-DNA position 1982, T replaced by C.
Protein change: p.Leu661Pro; replaces leucine 661 with proline.
Molecular consequence: missense variant.
Genome position (GRCh38, 1-based): chr11:22,270,395, T>C. VCF-style: chr11-22270395-T-C. GRCh37 (hg19) VCF-style: chr11-22291941-T-C.
Other names: c.1979T>C, p.Leu660Pro (NM_001142649.2); short protein forms L661P, L660P.
Identifiers: ClinVar variation 1474888 (VCV001474888.5), dbSNP rs1472414854, ClinGen allele CA379923407.
Genomic context (GRCh38, chr11:22,270,395, plus strand): 5'-GCCGAAAAGCTCGGACAAACTCTGAGAAGCTGTATAGTCGATGGGAGCAGGATCATGACC[T>C]TGAAAGTTTTGGACCCCTTGGGCTTTTCTATGAGTACTTAGAAACAGGTAATTTTTAACC-3'
Protein context (NP_998764.1, residues 651-671): LYSRWEQDHD[Leu661Pro]ESFGPLGLFY

ClinVar aggregate classification (germline): Conflicting classifications of pathogenicity. Review status: criteria provided, conflicting classifications (1 of 4 stars). 3 submissions from 3 submitters: Likely pathogenic (1); Uncertain significance (2). Last evaluated 2024-06-06.

Conditions:
Miyoshi muscular dystrophy 3 (MMD3). Also called: Miyoshi myopathy 3; Miyoshi Muscular Dystrophy 3 (MMD3). Identifiers: Orphanet 399096, MedGen C2750076, MONDO:0013222, OMIM 613319.
Gnathodiaphyseal dysplasia (GDD). Also called: GNATHODIAPHYSEAL SCLEROSIS; OSTEOGENESIS IMPERFECTA WITH UNUSUAL SKELETAL LESIONS. Identifiers: Orphanet 53697, MedGen C1833736, MONDO:0008151, OMIM 166260.
Autosomal recessive limb-girdle muscular dystrophy type 2L (LGMDR12). Also called: Limb-girdle muscular dystrophy, type 2L; MUSCULAR DYSTROPHY, LIMB-GIRDLE, AUTOSOMAL RECESSIVE 12; Limb-Girdle Muscular Dystrophy R12 Anoctamin-5-Related (LGMD-R12). Identifiers: Orphanet 206549, MedGen C1969785, MONDO:0012652, OMIM 611307.

Allele frequency attached by ClinVar (database versions not stated): gnomAD exomes below 0.00001; TOPMed below 0.00001; gnomAD 0.00001.
gnomAD v4.1: 3 of 1,614,066 alleles (0.00019%); highest among the groups gnomAD compares: Admixed American, 0.005%; no homozygotes.

Submissions (3):

Fulgent Genetics
Classification: Likely pathogenic for Gnathodiaphyseal dysplasia; Autosomal recessive limb-girdle muscular dystrophy type 2L; Miyoshi muscular dystrophy 3. Last evaluated: 2024-06-06. Review status: criteria provided, single submitter. Criteria: ACMG Guidelines, 2015. Collection method: clinical testing. Allele origin: germline.

Women's Health and Genetics/Laboratory Corporation of America, LabCorp
Classification: Uncertain significance. Last evaluated: 2024-05-31. Review status: criteria provided, single submitter. Criteria: LabCorp Variant Classification Summary - May 2015. Collection method: clinical testing. Allele origin: germline.
Comment: Variant summary: ANO5 c.1982T>C (p.Leu661Pro) results in a non-conservative amino acid change located in the Anoctamin, transmembrane domain (IPR049452) of the encoded protein sequence. Five of five in-silico tools predict a damaging effect of the variant on protein function. The variant was absent in 251446 control chromosomes. c.1982T>C has been reported in the literature as homozygous or in compound heterozygous state with a pathogenic variant in individuals affected with Limb-Girdle Muscular Dystrophy, Autosomal Recessive (Barbosa-Gouveia_2022, Panads-de Oliveira_2020). These data indicate that the variant may be associated with disease. To our knowledge, no experimental evidence demonstrating an impact on protein function has been reported. The following publications have been ascertained in the context of this evaluation (PMID: 35628876, 32367299). ClinVar contains an entry for this variant (Variation ID: 1474888). Based on the evidence outlined above, the variant was classified as VUS-possibly pathogenic.

Labcorp Genetics (formerly Invitae), Labcorp
Classification: Uncertain significance for Autosomal recessive limb-girdle muscular dystrophy type 2L; Gnathodiaphyseal dysplasia. Last evaluated: 2021-10-13. Review status: criteria provided, single submitter. Criteria: Invitae Variant Classification Sherloc (09022015). Collection method: clinical testing. Allele origin: germline.
Comment: This sequence change replaces leucine with proline at codon 661 of the ANO5 protein (p.Leu661Pro). The leucine residue is moderately conserved and there is a moderate physicochemical difference between leucine and proline. This variant is not present in population databases (ExAC no frequency). This missense change has been observed in individual(s) with clinical features of ANO5-related conditions (PMID: 32367299, 32528171). Advanced modeling of protein sequence and biophysical properties (such as structural, functional, and spatial information, amino acid conservation, physicochemical variation, residue mobility, and thermodynamic stability) performed at Invitae indicates that this missense variant is expected to disrupt ANO5 protein function. In summary, the available evidence is currently insufficient to determine the role of this variant in disease. Therefore, it has been classified as a Variant of Uncertain Significance.

Literature cited by the submitters: PubMed 32528171 (cited by Women's Health and Genetics/Laboratory Corporation of America, LabCorp and Labcorp Genetics (formerly Invitae), Labcorp); PubMed 35628876 (cited by Women's Health and Genetics/Laboratory Corporation of America, LabCorp); PubMed 32367299 (cited by Women's Health and Genetics/Laboratory Corporation of America, LabCorp and Labcorp Genetics (formerly Invitae), Labcorp).